The following is an entry in ClinVar:

NM_206933.4(USH2A):c.5309A>T (p.Lys1770Ile)

Genes: USH2A (usherin; minus strand), USH2A-AS2 (USH2A antisense RNA 2; plus strand). Cytogenetic location: 1q41.
Variant type: single nucleotide variant.
Coding change: c.5309A>T on transcript NM_206933.4 (MANE Select); coding-DNA position 5309, A replaced by T.
Protein change: p.Lys1770Ile; replaces lysine 1770 with isoleucine.
Molecular consequence: missense variant.
Genome position (GRCh38, 1-based): chr1:216,078,352, T>A on the plus strand (A>T on the coding strand, the complement: USH2A is on the minus strand). VCF-style: chr1-216078352-T-A. GRCh37 (hg19) VCF-style: chr1-216251694-T-A.
Other names: short protein forms K1770I.
Identifiers: ClinVar variation 5003579 (VCV005003579.1).

ClinVar aggregate classification (germline): Uncertain significance (1 of 4 stars; one submission).

Conditions:
USH2A-related disorder. Also called: USH2A-related disorders; USH2A-related condition. Identifiers: MedGen CN239332.

Submission:

Myriad Genetics, Inc.
Classification: Uncertain significance for USH2A-related disorder. Last evaluated: 2026-07-09. Review status: criteria provided, single submitter. Criteria: Myriad Autosomal Dominant, Autosomal Recessive and X-Linked Classification Criteria (2023). Collection method: clinical testing. Allele origin: unknown.
Comment: NM_206933.2(USH2A):c.5309A>T(K1770I) is a missense variant classified as a variant of uncertain significance in the context of USH2A-related disorders. K1770I has been observed in a case with relevant disease (PMID: 31960602). Relevant functional assessments of this variant are not available in the literature. K1770I has not been observed in referenced population frequency databases. In summary, there is insufficient evidence to classify NM_206933.2(USH2A):c.5309A>T(K1770I) as pathogenic or benign. Please note: this variant was assessed in the context of healthy population screening.

Literature cited by the submitters: PubMed 31960602.